The following is an entry in ClinVar:

ClinVar aggregate classification (germline): Likely benign. Review status: criteria provided, single submitter (1 of 4 stars). 2 submissions from 2 submitters: Likely benign (1). 1 of the submissions does not count toward it. Last evaluated 2023-08-31.

Conditions:
SCP2-related disorder. Also called: SCP2-related condition.

Allele frequency attached by ClinVar (database versions not stated): gnomAD 0.00001; gnomAD exomes 0.00001; TOPMed 0.00001.
gnomAD v4.1: 11 of 1,584,866 alleles (0.00069%); highest among the groups gnomAD compares: Non-Finnish European, 0.00095%; no homozygotes.

Submissions (2):

Labcorp Genetics (formerly Invitae), Labcorp
Classification: Likely benign. Last evaluated: 2023-08-31. Review status: criteria provided, single submitter. Criteria: Invitae Variant Classification Sherloc (09022015). Collection method: clinical testing. Allele origin: germline.

PreventionGenetics, part of Exact Sciences
Classification: Likely benign for SCP2-related condition. Last evaluated: 2023-03-20. Review status: no assertion criteria provided. Collection method: clinical testing. Allele origin: germline. Not counted in ClinVar's aggregate classification.
Comment: This variant is classified as likely benign based on ACMG/AMP sequence variant interpretation guidelines (Richards et al. 2015 PMID: 25741868, with internal and published modifications).

NM_002979.5(SCP2):c.127+8A>G

Gene: SCP2 (sterol carrier protein 2; plus strand). Cytogenetic location: 1p32.3.
Variant type: single nucleotide variant.
Coding change: c.127+8A>G on transcript NM_002979.5 (MANE Select); 8 bases into the intron after coding-DNA position 127, A replaced by G.
Molecular consequence: intron variant.
Genome position (GRCh38, 1-based): chr1:52,941,861, A>G. VCF-style: chr1-52941861-A-G. GRCh37 (hg19) VCF-style: chr1-53407533-A-G.
Other names: c.127+8A>G (NM_001193600.2, NM_001193599.2, NM_001330587.2 and 2 more transcripts); c.-116-6148A>G (NM_001193617.2).
Identifiers: ClinVar variation 2021426 (VCV002021426.5), dbSNP rs914419966, ClinGen allele CA22589891.